The following is an entry in ClinVar:

NM_000268.4(NF2):c.457dup (p.Tyr153fs)

Gene: NF2 (NF2, moesin-ezrin-radixin like (MERLIN) tumor suppressor; plus strand). Cytogenetic location: 22q12.2.
Variant type: Duplication.
Coding change: c.457dup on transcript NM_000268.4 (MANE Select); coding-DNA position 457, one base duplicated (T; older notation c.457dupT).
Protein change: p.Tyr153fs; shifts the reading frame from tyrosine 153.
Molecular consequence: frameshift variant. On other transcripts: non-coding transcript variant (1), intron variant (1).
Genome position (GRCh38, 1-based): chr22:29,654,666, T duplicated. VCF-style (leftmost placement, unchanged base first): chr22-29654665-C-CT. GRCh37 (hg19) VCF-style: chr22-30050654-C-CT.
Other names: c.457dup, p.Tyr153fs (NM_016418.5, NM_181825.3, NM_181832.3); c.331dup, p.Tyr111fs (NM_181828.3); c.334dup, p.Tyr112fs (NM_181829.3); c.208dup, p.Tyr70fs (NM_181830.3, NM_181831.3); c.447+12381dup (NM_181833.3); short protein forms Y111fs, Y112fs, Y153fs, Y70fs.
Identifiers: ClinVar variation 1074791 (VCV001074791.7), dbSNP rs2146966417, ClinGen allele CA2499226133.
Genomic context (GRCh38, chr22:29,654,665, plus strand): 5'-TGGCAGTTATCTTTAGAATCTCAATCGCCTGCTCTCCCTTTCTTCTTTCCAGTATGGTGA[C>CT]TACGACCCCAGTGTTCACAAGCGGGGATTTTTGGCCCAAGAGGAATTGCTTCCAAAAAGG-3'

ClinVar aggregate classification (germline): Pathogenic (1 of 4 stars; one submission).

Conditions:
Neurofibromatosis, type 2 (SWNV). Also called: BILATERAL ACOUSTIC NEUROFIBROMATOSIS; SCHWANNOMATOSIS, VESTIBULAR; NF2-Related Schwannomatosis. Identifiers: Orphanet 637, MedGen C0027832, MONDO:0007039, OMIM 101000. Disease mechanism: loss of function.

Submission:

Labcorp Genetics (formerly Invitae), Labcorp
Classification: Pathogenic for Neurofibromatosis, type 2. Last evaluated: 2023-05-21. Review status: criteria provided, single submitter. Criteria: Invitae Variant Classification Sherloc (09022015). Collection method: clinical testing. Allele origin: germline.
Comment: This sequence change creates a premature translational stop signal (p.Tyr153Leufs*50) in the NF2 gene. It is expected to result in an absent or disrupted protein product. Loss-of-function variants in NF2 are known to be pathogenic (PMID: 9643284, 16983642). This variant is not present in population databases (gnomAD no frequency). This variant has not been reported in the literature in individuals affected with NF2-related conditions. ClinVar contains an entry for this variant (Variation ID: 1074791). For these reasons, this variant has been classified as Pathogenic.

Literature cited by the submitters: PubMed 9643284; PubMed 16983642.